The following is an entry in ClinVar:

NM_004304.5(ALK):c.1996C>G (p.Pro666Ala)

Gene: ALK (ALK receptor tyrosine kinase; minus strand). Cytogenetic location: 2p23.2.
Variant type: single nucleotide variant.
Coding change: c.1996C>G on transcript NM_004304.5 (MANE Select); coding-DNA position 1996, C replaced by G.
Protein change: p.Pro666Ala; replaces proline 666 with alanine.
Molecular consequence: missense variant.
Genome position (GRCh38, 1-based): chr2:29,275,144, G>C on the plus strand (C>G on the coding strand, the complement: ALK is on the minus strand). VCF-style: chr2-29275144-G-C. GRCh37 (hg19) VCF-style: chr2-29498010-G-C.
Other names: short protein forms P666A.
Identifiers: ClinVar variation 2845529 (VCV002845529.3), dbSNP rs752439739, ClinGen allele CA346479653.
Genomic context (GRCh38, chr2:29,275,144, plus strand): 5'-GAGCTGAACCCTTACCTGTAGGGTCAAAGATGGGGGTCTGTCTTGGTGAATTTTCCCCGG[G>C]TTTCAGCTCCTTGTTTGGGTTTCTCTCAAACAGGTTTCTTGATTTGGGTGCTGTATTCTG-3'
Protein context (NP_004295.2, residues 656-676): FERNPNKELK[Pro666Ala]GENSPRQTPI

ClinVar aggregate classification (germline): Uncertain significance (1 of 4 stars; one submission).

Conditions:
Neuroblastoma, susceptibility to, 3. Also called: ALK-Related Neuroblastic Tumor Susceptibility. Identifiers: Orphanet 635, MedGen C2751681, MONDO:0013083, OMIM 613014.

Allele frequency attached by ClinVar (database versions not stated): TOPMed below 0.00001.

Submission:

Labcorp Genetics (formerly Invitae), Labcorp
Classification: Uncertain significance for Neuroblastoma, susceptibility to, 3. Last evaluated: 2023-03-14. Review status: criteria provided, single submitter. Criteria: Invitae Variant Classification Sherloc (09022015). Collection method: clinical testing. Allele origin: germline.
Comment: In summary, the available evidence is currently insufficient to determine the role of this variant in disease. Therefore, it has been classified as a Variant of Uncertain Significance. Algorithms developed to predict the effect of missense changes on protein structure and function output the following: SIFT: "Not Available"; PolyPhen-2: "Benign"; Align-GVGD: "Not Available". The alanine amino acid residue is found in multiple mammalian species, which suggests that this missense change does not adversely affect protein function. This variant has not been reported in the literature in individuals affected with ALK-related conditions. This variant is not present in population databases (gnomAD no frequency). This sequence change replaces proline, which is neutral and non-polar, with alanine, which is neutral and non-polar, at codon 666 of the ALK protein (p.Pro666Ala).